The following is an entry in ClinVar:

NM_000535.7(PMS2):c.1632C>A (p.Asp544Glu)

Gene: PMS2 (PMS1 homolog 2, mismatch repair system component; minus strand). Cytogenetic location: 7p22.1.
Variant type: single nucleotide variant.
Coding change: c.1632C>A on transcript NM_000535.7 (MANE Select); coding-DNA position 1632, C replaced by A.
Protein change: p.Asp544Glu; replaces aspartic acid 544 with glutamic acid.
Molecular consequence: missense variant. On other transcripts: non-coding transcript variant (1).
Genome position (GRCh38, 1-based): chr7:5,987,133, G>T on the plus strand (C>A on the coding strand, the complement: PMS2 is on the minus strand). VCF-style: chr7-5987133-G-T. GRCh37 (hg19) VCF-style: chr7-6026764-G-T.
Other names: c.1227C>A, p.Asp409Glu (NM_001322003.2, NM_001322004.2, NM_001322005.2 and 1 more transcripts); c.1476C>A, p.Asp492Glu (NM_001322006.2); c.1314C>A, p.Asp438Glu (NM_001322007.2, NM_001322008.2); c.1071C>A, p.Asp357Glu (NM_001322010.2); c.699C>A, p.Asp233Glu (NM_001322011.2, NM_001322012.2); c.1059C>A, p.Asp353Glu (NM_001322013.2); c.1632C>A, p.Asp544Glu (NM_001322014.2); c.1323C>A, p.Asp441Glu (NM_001322015.2); short protein forms D544E, D357E, D233E, D438E, D409E, D492E, D353E, D441E.
Identifiers: ClinVar variation 187057 (VCV000187057.22), dbSNP rs786203439, ClinGen allele CA009953.

ClinVar aggregate classification (germline): Conflicting classifications of pathogenicity. Review status: criteria provided, conflicting classifications (1 of 4 stars). 6 submissions from 6 submitters: Uncertain significance (5); Likely benign (1). Last evaluated 2025-12-22.

Conditions:
Hereditary nonpolyposis colorectal neoplasms. Identifiers: MedGen C0009405, MeSH D003123.
Lynch syndrome. Identifiers: Orphanet 144, MedGen C4552100, MONDO:0005835. Disease mechanism: loss of function.
Hereditary cancer-predisposing syndrome. Also called: Neoplastic Syndromes, Hereditary; Tumor predisposition; Hereditary Cancer Syndrome; Hereditary neoplastic syndrome. Identifiers: Orphanet 140162, MedGen C0027672, MeSH D009386, MONDO:0015356.

Allele frequency attached by ClinVar (database versions not stated): gnomAD exomes below 0.00001 and 0.00001; TOPMed below 0.00001.
gnomAD v4.1: 4 of 1,614,026 alleles (0.00025%); highest among the groups gnomAD compares: Non-Finnish European, 0.00034%; no homozygotes.

Submissions (6):

Labcorp Genetics (formerly Invitae), Labcorp
Classification: Uncertain significance for Hereditary nonpolyposis colorectal neoplasms. Last evaluated: 2025-12-22. Review status: criteria provided, single submitter. Criteria: Invitae Variant Classification Sherloc (09022015). Collection method: clinical testing. Allele origin: germline.
Comment: This sequence change replaces aspartic acid, which is acidic and polar, with glutamic acid, which is acidic and polar, at codon 544 of the PMS2 protein (p.Asp544Glu). The frequency data for this variant in the population databases is considered unreliable, as metrics indicate poor data quality at this position in the gnomAD database. This missense change has been observed in individual(s) with colorectal cancer (PMID: 28135145). ClinVar contains an entry for this variant (Variation ID: 187057). Invitae Evidence Modeling incorporating data from in vitro experimental studies (internal data) indicates that this missense variant is not expected to disrupt PMS2 function with a negative predictive value of 95%. In summary, the available evidence is currently insufficient to determine the role of this variant in disease. Therefore, it has been classified as a Variant of Uncertain Significance.

Quest Diagnostics Nichols Institute San Juan Capistrano
Classification: Uncertain significance. Last evaluated: 2025-09-04. Review status: criteria provided, single submitter. Criteria: Quest Diagnostics criteria. Collection method: clinical testing. Allele origin: unknown.
Comment: The PMS2 c.1632C>A (p.Asp544Glu) variant has been reported in the published literature in an individual with colorectal cancer (PMID: 28135145 (2017)). The frequency of this variant in the general population (Genome Aggregation Database) is uninformative in the assessment of its pathogenicity. Analysis of this variant using bioinformatics tools for the prediction of the effect of amino acid changes on protein structure and function yielded predictions that this variant is benign. Based on the available information, we are unable to determine the clinical significance of this variant.

Color Diagnostics, LLC DBA Color Health
Classification: Uncertain significance for Hereditary cancer-predisposing syndrome. Last evaluated: 2025-06-11. Review status: criteria provided, single submitter. Criteria: ACMG Guidelines, 2015. Collection method: clinical testing. Allele origin: germline.
Comment: This missense variant replaces aspartic acid with glutamic acid at codon 544 of the PMS2 protein. Computational prediction suggests that this variant may not impact protein structure and function. To our knowledge, functional studies have not been reported for this variant. This variant has been reported in an individual affected with colorectal cancer (PMID: 28135145). This variant has been identified in 1/250936 chromosomes in the general population by the Genome Aggregation Database (gnomAD). The available evidence is insufficient to determine the role of this variant in disease conclusively. Therefore, this variant is classified as a Variant of Uncertain Significance.

Ambry Genetics
Classification: Likely benign for Hereditary cancer-predisposing syndrome. Last evaluated: 2025-04-04. Review status: criteria provided, single submitter. Criteria: Ambry Variant Classification Scheme 2023. Collection method: clinical testing. Allele origin: germline.

GeneDx
Classification: Uncertain significance. Last evaluated: 2023-09-29. Review status: criteria provided, single submitter. Criteria: GeneDx Variant Classification Process June 2021. Collection method: clinical testing. Allele origin: germline. Affected: yes.
Comment: Not observed at significant frequency in large population cohorts (gnomAD); In silico analysis supports that this missense variant does not alter protein structure/function; Identified in an individual with colorectal cancer (Yurgelun et al., 2017); This variant is associated with the following publications: (PMID: 28135145)

Department of Pathology and Laboratory Medicine, Sinai Health System
Classification: Uncertain significance for Lynch syndrome. Last evaluated: 2022-12-06. Review status: criteria provided, single submitter. Criteria: ACMG Guidelines, 2015. Collection method: clinical testing. Allele origin: germline. Affected: yes.

Literature cited by the submitters: PubMed 28135145 (cited by 5 submitters).